The following is an entry in ClinVar:

ClinVar aggregate classification (germline): Uncertain significance. Review status: criteria provided, multiple submitters, no conflicts (2 of 4 stars). 2 submissions from 2 submitters: Uncertain significance (2). Last evaluated 2021-12-16.

Conditions:
Cardiovascular phenotype. Identifiers: MedGen CN230736.

Allele frequency attached by ClinVar (database versions not stated): gnomAD 0.00003; ExAC 0.00004.
gnomAD v4.1: 20 of 1,613,610 alleles (0.0012%); highest among the groups gnomAD compares: South Asian, 0.013%; no homozygotes.

Submissions (2):

Revvity Omics, Revvity
Classification: Uncertain significance. Last evaluated: 2021-12-16. Review status: criteria provided, single submitter. Criteria: ACMG Guidelines, 2015. Collection method: clinical testing. Allele origin: germline.

Ambry Genetics
Classification: Uncertain significance for Cardiovascular phenotype. Last evaluated: 2019-08-12. Review status: criteria provided, single submitter. Criteria: Ambry Variant Classification Scheme 2023. Collection method: clinical testing. Allele origin: germline.
Comment: The p.A20431T variant (also known as c.61291G>A), located in coding exon 158 of the TTN gene, results from a G to A substitution at nucleotide position 61291. The alanine at codon 20431 is replaced by threonine, an amino acid with similar properties. This amino acid position is not well conserved in available vertebrate species. In addition, this alteration is predicted to be tolerated by in silico analysis. Since supporting evidence is limited at this time, the clinical significance of this alteration remains unclear.

NM_001267550.2(TTN):c.88486G>A (p.Ala29496Thr)

Genes: TTN (titin; minus strand), TTN-AS1 (TTN antisense RNA 1; plus strand). Cytogenetic location: 2q31.2.
Variant type: single nucleotide variant.
Coding change: c.88486G>A on transcript NM_001267550.2 (MANE Select); coding-DNA position 88486, G replaced by A.
Protein change: p.Ala29496Thr; replaces alanine 29496 with threonine.
Molecular consequence: missense variant.
Genome position (GRCh38, 1-based): chr2:178,554,973, C>T on the plus strand (G>A on the coding strand, the complement: TTN is on the minus strand). VCF-style: chr2-178554973-C-T. GRCh37 (hg19) VCF-style: chr2-179419700-C-T.
Other names: c.83563G>A, p.Ala27855Thr (NM_001256850.1); c.61291G>A, p.Ala20431Thr (NM_003319.4); c.80782G>A, p.Ala26928Thr (NM_133378.4); c.61666G>A, p.Ala20556Thr (NM_133432.3); c.61867G>A, p.Ala20623Thr (NM_133437.4); short protein forms A20431T, A26928T, A20556T, A20623T, A27855T, A29496T.
Identifiers: ClinVar variation 1751754 (VCV001751754.5), dbSNP rs751491298, ClinGen allele CA1988145.
Genomic context (GRCh38, chr2:178,554,973, plus strand): 5'-TTAGTTTTAATTCATAGCATCCACTATTAAGGCGATCGGCATCTTTGATGAGTATAGATG[C>T]GAGGTCCGTGGTATTTTCAACACACACCAGTGCATTGGTTTGTAATTCTTTATCATCTTT-3'
Protein context (NP_001254479.2, residues 29486-29506): LVCVENTTDL[Ala29496Thr]SILIKDADRL